The following is an entry in ClinVar:

NM_018082.6(POLR3B):c.2414G>A (p.Arg805Gln)

Gene: POLR3B (RNA polymerase III subunit B; plus strand). Cytogenetic location: 12q23.3.
Variant type: single nucleotide variant.
Coding change: c.2414G>A on transcript NM_018082.6 (MANE Select); coding-DNA position 2414, G replaced by A.
Protein change: p.Arg805Gln; replaces arginine 805 with glutamine.
Molecular consequence: missense variant.
Genome position (GRCh38, 1-based): chr12:106,457,258, G>A. VCF-style: chr12-106457258-G-A. GRCh37 (hg19) VCF-style: chr12-106851036-G-A.
Other names: c.2240G>A, p.Arg747Gln (NM_001160708.2); c.2414G>A (NM_018082.5); short protein forms R805Q, R747Q.
Identifiers: ClinVar variation 2185327 (VCV002185327.10), dbSNP rs146772688, ClinGen allele CA6762181.

ClinVar aggregate classification (germline): Uncertain significance. Review status: criteria provided, multiple submitters, no conflicts (2 of 4 stars). 4 submissions from 4 submitters: Uncertain significance (4). Last evaluated 2026-02-01.

Conditions:
Inborn genetic diseases. Identifiers: MedGen C0950123, MeSH D030342.

Allele frequency attached by ClinVar (database versions not stated): gnomAD 0.00001; gnomAD exomes 0.00003; ExAC 0.00005; TOPMed 0.00005; ESP Exome Variant Server 0.00008.
gnomAD v4.1: 51 of 1,613,644 alleles (0.0032%); highest among the groups gnomAD compares: Admixed American, 0.01%; no homozygotes.

Submissions (4):

CeGaT Center for Human Genetics Tuebingen
Classification: Uncertain significance. Last evaluated: 2026-02-01. Review status: criteria provided, single submitter. Criteria: CeGaT Center For Human Genetics Tuebingen Variant Classification Criteria Version 2. Collection method: clinical testing. Allele origin: germline. Affected: yes. Observed: 1 variant allele.
Comment: POLR3B: PM2

Labcorp Genetics (formerly Invitae), Labcorp
Classification: Uncertain significance. Last evaluated: 2025-04-02. Review status: criteria provided, single submitter. Criteria: Invitae Variant Classification Sherloc (09022015). Collection method: clinical testing. Allele origin: germline.
Comment: This sequence change replaces arginine, which is basic and polar, with glutamine, which is neutral and polar, at codon 805 of the POLR3B protein (p.Arg805Gln). This variant is present in population databases (rs146772688, gnomAD 0.009%). This variant has not been reported in the literature in individuals affected with POLR3B-related conditions. ClinVar contains an entry for this variant (Variation ID: 2185327). Invitae Evidence Modeling of protein sequence and biophysical properties (such as structural, functional, and spatial information, amino acid conservation, physicochemical variation, residue mobility, and thermodynamic stability) indicates that this missense variant is not expected to disrupt POLR3B protein function with a negative predictive value of 80%. In summary, the available evidence is currently insufficient to determine the role of this variant in disease. Therefore, it has been classified as a Variant of Uncertain Significance.

Ambry Genetics
Classification: Uncertain significance for Inborn genetic diseases. Last evaluated: 2025-01-01. Review status: criteria provided, single submitter. Criteria: Ambry Variant Classification Scheme 2023. Collection method: clinical testing. Allele origin: germline.

Blueprint Genetics
Classification: Uncertain significance. Last evaluated: 2024-09-20. Review status: criteria provided, single submitter. Criteria: ACMG Guidelines, 2015. Collection method: clinical testing. Allele origin: germline.